The following is an entry in ClinVar:

ClinVar aggregate classification (germline): Uncertain significance (1 of 4 stars; one submission).

gnomAD v4.1: 22 of 1,614,004 alleles (0.0014%); highest among the groups gnomAD compares: Admixed American, 0.015%; no homozygotes.

Submission:

Labcorp Genetics (formerly Invitae), Labcorp
Classification: Uncertain significance. Last evaluated: 2024-02-19. Review status: criteria provided, single submitter. Criteria: Invitae Variant Classification Sherloc (09022015). Collection method: clinical testing. Allele origin: germline.
Comment: This sequence change replaces glutamic acid, which is acidic and polar, with lysine, which is basic and polar, at codon 403 of the COQ8B protein (p.Glu403Lys). This variant is present in population databases (rs770968101, gnomAD 0.02%). This variant has not been reported in the literature in individuals affected with COQ8B-related conditions. An algorithm developed to predict the effect of missense changes on protein structure and function (PolyPhen-2) suggests that this variant is likely to be tolerated. In summary, the available evidence is currently insufficient to determine the role of this variant in disease. Therefore, it has been classified as a Variant of Uncertain Significance.

NM_024876.4(COQ8B):c.1207G>A (p.Glu403Lys)

Gene: COQ8B (coenzyme Q8B; minus strand). Cytogenetic location: 19q13.2.
Variant type: single nucleotide variant.
Coding change: c.1207G>A on transcript NM_024876.4 (MANE Select); coding-DNA position 1207, G replaced by A.
Protein change: p.Glu403Lys; replaces glutamic acid 403 with lysine.
Molecular consequence: missense variant.
Genome position (GRCh38, 1-based): chr19:40,695,991, C>T on the plus strand (G>A on the coding strand, the complement: COQ8B is on the minus strand). VCF-style: chr19-40695991-C-T. GRCh37 (hg19) VCF-style: chr19-41201896-C-T.
Other names: c.1084G>A, p.Glu362Lys (NM_001142555.3); short protein forms E362K, E403K.
Identifiers: ClinVar variation 3629221 (VCV003629221.2).